The following is an entry in ClinVar:

NM_001034852.3(SMOC1):c.230C>T (p.Pro77Leu)

Gene: SMOC1 (SPARC related modular calcium binding 1; plus strand). Cytogenetic location: 14q24.2.
Variant type: single nucleotide variant.
Coding change: c.230C>T on transcript NM_001034852.3 (MANE Select); coding-DNA position 230, C replaced by T.
Protein change: p.Pro77Leu; replaces proline 77 with leucine.
Molecular consequence: missense variant.
Genome position (GRCh38, 1-based): chr14:69,952,268, C>T. VCF-style: chr14-69952268-C-T. GRCh37 (hg19) VCF-style: chr14-70418985-C-T.
Other names: c.230C>T, p.Pro77Leu (NM_022137.6); short protein forms P77L.
Identifiers: ClinVar variation 282562 (VCV000282562.41), dbSNP rs143606483, ClinGen allele CA7246381.

ClinVar aggregate classification (germline): Conflicting classifications of pathogenicity. Review status: criteria provided, conflicting classifications (1 of 4 stars). 5 submissions from 5 submitters: Uncertain significance (2); Likely benign (2). 1 of the submissions does not count toward it. Last evaluated 2026-07-01.

Conditions:
SMOC1-related disorder. Also called: SMOC1-related condition.

Allele frequency attached by ClinVar (database versions not stated): 1000 Genomes Project 30x 0.00062; 1000 Genomes Project 0.00080; TOPMed 0.00164; gnomAD 0.00168 and 0.00175; gnomAD exomes 0.00179; ExAC 0.00200; ESP Exome Variant Server 0.00200.
gnomAD v4.1: 4,322 of 1,614,152 alleles (0.27%); highest among the groups gnomAD compares: Non-Finnish European, 0.34%; 8 homozygotes.

Submissions (5):

CeGaT Center for Human Genetics Tuebingen
Classification: Likely benign. Last evaluated: 2026-07-01. Review status: criteria provided, single submitter. Criteria: CeGaT Center For Human Genetics Tuebingen Variant Classification Criteria Version 2. Collection method: clinical testing. Allele origin: germline. Affected: yes. Observed: 3 variant alleles.
Comment: SMOC1: BP4

Labcorp Genetics (formerly Invitae), Labcorp
Classification: Likely benign. Last evaluated: 2026-01-01. Review status: criteria provided, single submitter. Criteria: Invitae Variant Classification Sherloc (09022015). Collection method: clinical testing. Allele origin: germline.

GeneDx
Classification: Uncertain significance. Last evaluated: 2023-11-27. Review status: criteria provided, single submitter. Criteria: GeneDx Variant Classification Process June 2021. Collection method: clinical testing. Allele origin: germline. Affected: yes.
Comment: In silico analysis supports that this missense variant has a deleterious effect on protein structure/function; Has not been previously published as pathogenic or benign to our knowledge

Eurofins Ntd Llc (ga)
Classification: Uncertain significance. Last evaluated: 2015-08-31. Review status: criteria provided, single submitter. Criteria: EGL Classification Definitions 2015. Collection method: clinical testing. Allele origin: germline. Observed: 3 variant alleles, 3 heterozygotes.

PreventionGenetics, part of Exact Sciences
Classification: Likely benign for SMOC1-related condition. Last evaluated: 2022-07-21. Review status: no assertion criteria provided. Collection method: clinical testing. Allele origin: germline. Not counted in ClinVar's aggregate classification.
Comment: This variant is classified as likely benign based on ACMG/AMP sequence variant interpretation guidelines (Richards et al. 2015 PMID: 25741868, with internal and published modifications).